The following is an entry in ClinVar:

NM_002485.5(NBN):c.1082C>A (p.Thr361Lys)

Gene: NBN (nibrin; minus strand). Cytogenetic location: 8q21.3.
Variant type: single nucleotide variant.
Coding change: c.1082C>A on transcript NM_002485.5 (MANE Select); coding-DNA position 1082, C replaced by A.
Protein change: p.Thr361Lys; replaces threonine 361 with lysine.
Molecular consequence: missense variant.
Genome position (GRCh38, 1-based): chr8:89,958,767, G>T on the plus strand (C>A on the coding strand, the complement: NBN is on the minus strand). VCF-style: chr8-89958767-G-T. GRCh37 (hg19) VCF-style: chr8-90970995-G-T.
Other names: c.836C>A, p.Thr279Lys (NM_001024688.3); short protein forms T279K, T361K.
Identifiers: ClinVar variation 1786746 (VCV001786746.2), dbSNP rs2129745254, ClinGen allele CA371656649.

ClinVar aggregate classification (germline): Uncertain significance (1 of 4 stars; one submission).

Conditions:
Hereditary cancer-predisposing syndrome. Also called: Neoplastic Syndromes, Hereditary; Tumor predisposition; Hereditary Cancer Syndrome; Hereditary neoplastic syndrome. Identifiers: Orphanet 140162, MedGen C0027672, MeSH D009386, MONDO:0015356.

Submission:

Ambry Genetics
Classification: Uncertain significance for Hereditary cancer-predisposing syndrome. Last evaluated: 2022-06-08. Review status: criteria provided, single submitter. Criteria: Ambry Variant Classification Scheme 2023. Collection method: clinical testing. Allele origin: germline.
Comment: The p.T361K variant (also known as c.1082C>A), located in coding exon 9 of the NBN gene, results from a C to A substitution at nucleotide position 1082. The threonine at codon 361 is replaced by lysine, an amino acid with similar properties. This amino acid position is well conserved in available vertebrate species. In addition, this alteration is predicted to be tolerated by in silico analysis. Since supporting evidence is limited at this time, the clinical significance of this alteration remains unclear.